The following is an entry in ClinVar:

ClinVar aggregate classification (germline): Uncertain significance (1 of 4 stars; one submission).

gnomAD v4.1: 1 of 1,613,906 alleles (0.000062%); highest among the groups gnomAD compares: Admixed American, 0.0017%; no homozygotes.

Submission:

GeneDx
Classification: Uncertain significance. Last evaluated: 2024-02-29. Review status: criteria provided, single submitter. Criteria: GeneDx Variant Classification Process June 2021. Collection method: clinical testing. Allele origin: germline. Affected: yes.
Comment: Not observed at significant frequency in large population cohorts (gnomAD); In silico analysis supports that this missense variant does not alter protein structure/function; Has not been previously published as pathogenic or benign to our knowledge

NM_013275.6(ANKRD11):c.4696G>C (p.Ala1566Pro)

Gene: ANKRD11 (ankyrin repeat domain containing 11; minus strand). Cytogenetic location: 16q24.3.
Variant type: single nucleotide variant.
Coding change: c.4696G>C on transcript NM_013275.6 (MANE Select); coding-DNA position 4696, G replaced by C.
Protein change: p.Ala1566Pro; replaces alanine 1566 with proline.
Molecular consequence: missense variant.
Genome position (GRCh38, 1-based): chr16:89,281,846, C>G on the plus strand (G>C on the coding strand, the complement: ANKRD11 is on the minus strand). VCF-style: chr16-89281846-C-G. GRCh37 (hg19) VCF-style: chr16-89348254-C-G.
Other names: c.4696G>C, p.Ala1566Pro (NM_001256182.2, NM_001256183.2); short protein forms A1566P.
Identifiers: ClinVar variation 3369825 (VCV003369825.1).